The following is an entry in ClinVar:

NM_000038.6(APC):c.6496C>T (p.Arg2166Ter)

Gene: APC (APC regulator of Wnt signaling pathway; plus strand). Cytogenetic location: 5q22.2.
Variant type: single nucleotide variant.
Coding change: c.6496C>T on transcript NM_000038.6 (MANE Select); coding-DNA position 6496, C replaced by T.
Protein change: p.Arg2166Ter; replaces arginine 2166 with a stop codon.
Molecular consequence: nonsense.
Genome position (GRCh38, 1-based): chr5:112,842,090, C>T. VCF-style: chr5-112842090-C-T. GRCh37 (hg19) VCF-style: chr5-112177787-C-T.
Other names: c.6496C>T, p.Arg2166Ter (NM_001127510.3, NM_001354895.2); c.6442C>T, p.Arg2148Ter (NM_001127511.3); c.6550C>T, p.Arg2184Ter (NM_001354896.2); c.6526C>T, p.Arg2176Ter (NM_001354897.2); c.6421C>T, p.Arg2141Ter (NM_001354898.2); c.6412C>T, p.Arg2138Ter (NM_001354899.2); c.6373C>T, p.Arg2125Ter (NM_001354900.2); c.6319C>T, p.Arg2107Ter (NM_001354901.2); and 5 more; short protein forms R2148*, R2166*, R2107*, R2125*, R2138*, R2141*, R1883*, R2006*.
Identifiers: ClinVar variation 438883 (VCV000438883.16), dbSNP rs764527706, ClinGen allele CA16035547.

ClinVar aggregate classification (germline): Pathogenic. Review status: criteria provided, multiple submitters, no conflicts (2 of 4 stars). 4 submissions from 4 submitters: Pathogenic (4). Last evaluated 2025-07-15.

Conditions:
Hereditary cancer-predisposing syndrome. Also called: Hereditary neoplastic syndrome; Hereditary Cancer Syndrome; Tumor predisposition; Neoplastic Syndromes, Hereditary. Identifiers: Orphanet 140162, MedGen C0027672, MeSH D009386, MONDO:0015356.
Familial adenomatous polyposis 1 (FAP1). Also called: POLYPOSIS, ADENOMATOUS INTESTINAL; FAMILIAL ADENOMATOUS POLYPOSIS 1, ATTENUATED. Identifiers: MedGen C2713442, MONDO:0021056, OMIM 175100. Disease mechanism: loss of function.

Submissions (4):

Ambry Genetics
Classification: Pathogenic for Hereditary cancer-predisposing syndrome. Last evaluated: 2025-07-15. Review status: criteria provided, single submitter. Criteria: Ambry Variant Classification Scheme 2023. Collection method: clinical testing. Allele origin: germline.
Comment: The p.R2166* pathogenic mutation (also known as c.6496C>T), located in coding exon 15 of the APC gene, results from a C to T substitution at nucleotide position 6496. This changes the amino acid from an arginine to a stop codon within coding exon 15. This alteration occurs at the 3' terminus of theAPC gene, is not expected to trigger nonsense-mediated mRNA decay, and impacts the last 23% of the protein. However, premature stop codons are typically deleterious in nature and the impacted region is critical for protein function and a significant portion of the protein is affected (Ambry internal data). This variant has been observed in at least one individual with a personal and/or family history that is consistent with APC-related familial adenomatous polyposis (Ambry internal data). This variant is considered to be rare based on population cohorts in the Genome Aggregation Database (gnomAD). Based on the supporting evidence, this variant is interpreted as a disease-causing mutation.

Myriad Genetics, Inc.
Classification: Pathogenic for Familial adenomatous polyposis 1. Last evaluated: 2023-05-15. Review status: criteria provided, single submitter. Criteria: Myriad Autosomal Dominant, Autosomal Recessive and X-Linked Classification Criteria (2023). Collection method: clinical testing. Allele origin: unknown.
Comment: This variant is considered pathogenic. This variant creates a termination codon and is predicted to result in premature protein truncation.

Labcorp Genetics (formerly Invitae), Labcorp
Classification: Pathogenic for Familial adenomatous polyposis 1. Last evaluated: 2022-03-05. Review status: criteria provided, single submitter. Criteria: Invitae Variant Classification Sherloc (09022015). Collection method: clinical testing. Allele origin: germline.
Comment: For these reasons, this variant has been classified as Pathogenic. A different truncation (p.Tyr2645Lysfs*14) that lies downstream of this variant has been determined to be pathogenic (PMID: 9824584, 1316610, 27081525, 8381579, 22135120, Invitae). This suggests that deletion of this region of the APC protein is causative of disease. This variant is expected to disrupt the EB1 and HDLG binding sites, which mediate interactions with the cytoskeleton (PMID: 15311282, 17293347). While functional studies have not been performed to directly test the effect on APC protein function, this suggests that disruption of the C-terminal portion of the protein is functionally important. ClinVar contains an entry for this variant (Variation ID: 438883). This premature translational stop signal has been observed in individual(s) with colon cancer or clinical features of familial adenomatous polyposis (PMID: 14966376). This variant is not present in population databases (gnomAD no frequency). This sequence change creates a premature translational stop signal (p.Arg2166*) in the APC gene. While this is not anticipated to result in nonsense mediated decay, it is expected to disrupt the last 678 amino acid(s) of the APC protein.

Quest Diagnostics Nichols Institute San Juan Capistrano
Classification: Pathogenic. Last evaluated: 2017-07-22. Review status: criteria provided, single submitter. Criteria: Quest Diagnostics criteria. Collection method: clinical testing. Allele origin: germline.

Literature cited by the submitters: PubMed 9824584 (cited by Labcorp Genetics (formerly Invitae), Labcorp); PubMed 1316610 (cited by Labcorp Genetics (formerly Invitae), Labcorp); PubMed 27081525 (cited by Labcorp Genetics (formerly Invitae), Labcorp); PubMed 8381579 (cited by Labcorp Genetics (formerly Invitae), Labcorp); PubMed 22135120 (cited by Labcorp Genetics (formerly Invitae), Labcorp); PubMed 15311282 (cited by Labcorp Genetics (formerly Invitae), Labcorp); PubMed 17293347 (cited by Labcorp Genetics (formerly Invitae), Labcorp); PubMed 14966376 (cited by Labcorp Genetics (formerly Invitae), Labcorp and Quest Diagnostics Nichols Institute San Juan Capistrano).